The following is an entry in ClinVar:

NM_001292063.2(OTOG):c.89G>A (p.Arg30His)

Gene: OTOG (otogelin; plus strand). Cytogenetic location: 11p15.1.
Variant type: single nucleotide variant.
Coding change: c.89G>A on transcript NM_001292063.2 (MANE Select); coding-DNA position 89, G replaced by A.
Protein change: p.Arg30His; replaces arginine 30 with histidine.
Molecular consequence: missense variant.
Genome position (GRCh38, 1-based): chr11:17,547,461, G>A. VCF-style: chr11-17547461-G-A. GRCh37 (hg19) VCF-style: chr11-17569008-G-A.
Other names: c.89G>A, p.Arg30His (NM_001277269.2); short protein forms R30H.
Identifiers: ClinVar variation 4990236 (VCV004990236.1).

ClinVar aggregate classification (germline): Uncertain significance (1 of 4 stars; one submission).

Conditions:
OTOG-related disorder. Also called: OTOG-related condition.

Submission:

PreventionGenetics, part of Exact Sciences
Classification: Uncertain significance for OTOG-related condition. Last evaluated: 2025-09-17. Review status: criteria provided, single submitter. Criteria: ACMG Guidelines, 2015. Collection method: clinical testing. Allele origin: germline.
Comment: The OTOG c.89G>A variant is predicted to result in the amino acid substitution p.Arg30His. To our knowledge, this variant has not been reported in the literature or in a large population database (gnomAD), indicating this variant is rare. At this time, the clinical significance of this variant is uncertain due to the absence of conclusive functional and genetic evidence.